The following is an entry in ClinVar:

ClinVar aggregate classification (germline): Benign. Review status: criteria provided, single submitter (1 of 4 stars). 2 submissions from 2 submitters: Benign (1). 1 of the submissions does not count toward it. Last evaluated 2023-06-16.

Conditions:
ARHGAP24-related disorder. Also called: ARHGAP24-related condition.

Allele frequency attached by ClinVar (database versions not stated): TOPMed below 0.00001; gnomAD 0.00004; ExAC 0.00012; 1000 Genomes Project 30x 0.00016; 1000 Genomes Project 0.00020.
gnomAD v4.1: 91 of 1,613,874 alleles (0.0056%); highest among the groups gnomAD compares: South Asian, 0.096%; no homozygotes.

Submissions (2):

Labcorp Genetics (formerly Invitae), Labcorp
Classification: Benign. Last evaluated: 2023-06-16. Review status: criteria provided, single submitter. Criteria: Invitae Variant Classification Sherloc (09022015). Collection method: clinical testing. Allele origin: germline.

PreventionGenetics, part of Exact Sciences
Classification: Likely benign for ARHGAP24-related condition. Last evaluated: 2022-10-24. Review status: no assertion criteria provided. Collection method: clinical testing. Allele origin: germline. Not counted in ClinVar's aggregate classification.
Comment: This variant is classified as likely benign based on ACMG/AMP sequence variant interpretation guidelines (Richards et al. 2015 PMID: 25741868, with internal and published modifications).

NM_001025616.3(ARHGAP24):c.391+10C>T

Gene: ARHGAP24 (Rho GTPase activating protein 24; plus strand). Cytogenetic location: 4q21.23.
Variant type: single nucleotide variant.
Coding change: c.391+10C>T on transcript NM_001025616.3 (MANE Select); 10 bases into the intron after coding-DNA position 391, C replaced by T.
Molecular consequence: intron variant.
Genome position (GRCh38, 1-based): chr4:85,923,780, C>T. VCF-style: chr4-85923780-C-T. GRCh37 (hg19) VCF-style: chr4-86844933-C-T.
Other names: c.391+10C>T (NM_001025616.2); c.106+10C>T (NM_001042669.2); c.20+10C>T (NM_001346093.2); c.136+10C>T (NM_001287805.2).
Identifiers: ClinVar variation 2896373 (VCV002896373.5), dbSNP rs566785591, ClinGen allele CA2994427.
Genomic context (GRCh38, chr4:85,923,780, plus strand): 5'-AAGACTGGGTGAAGTCAATCCGCCGAGTCATATGGGGACCTTTCGGAGGAGGTGAGTGTA[C>T]TTTAAAATCATGGAAAAACAGAAAGGTAGACCAAACCTGTTCATCCCTTTCCCCCAGCGA-3'